The following is an entry in ClinVar:

ClinVar aggregate classification (germline): Uncertain significance (1 of 4 stars; one submission).

Conditions:
Renal cell carcinoma. Identifiers: Orphanet 217071, MedGen C0007134, MeSH D002292, MONDO:0005086, HP:0005584.

Submission:

Labcorp Genetics (formerly Invitae), Labcorp
Classification: Uncertain significance for Renal cell carcinoma. Last evaluated: 2023-01-18. Review status: criteria provided, single submitter. Criteria: Invitae Variant Classification Sherloc (09022015). Collection method: clinical testing. Allele origin: germline.
Comment: In summary, the available evidence is currently insufficient to determine the role of this variant in disease. Therefore, it has been classified as a Variant of Uncertain Significance. Advanced modeling of protein sequence and biophysical properties (such as structural, functional, and spatial information, amino acid conservation, physicochemical variation, residue mobility, and thermodynamic stability) performed at Invitae indicates that this missense variant is expected to disrupt MET protein function. This variant has not been reported in the literature in individuals affected with MET-related conditions. This variant is not present in population databases (gnomAD no frequency). This sequence change replaces threonine, which is neutral and polar, with isoleucine, which is neutral and non-polar, at codon 457 of the MET protein (p.Thr457Ile).

NM_000245.4(MET):c.1370C>T (p.Thr457Ile)

Gene: MET (MET proto-oncogene, receptor tyrosine kinase; plus strand). Cytogenetic location: 7q31.2.
Variant type: single nucleotide variant.
Coding change: c.1370C>T on transcript NM_000245.4 (MANE Select); coding-DNA position 1370, C replaced by T.
Protein change: p.Thr457Ile; replaces threonine 457 with isoleucine.
Molecular consequence: missense variant.
Genome position (GRCh38, 1-based): chr7:116,731,837, C>T. VCF-style: chr7-116731837-C-T. GRCh37 (hg19) VCF-style: chr7-116371891-C-T.
Other names: c.1370C>T, p.Thr457Ile (NM_001127500.3, NM_001324401.3); c.80C>T, p.Thr27Ile (NM_001324402.2); short protein forms T457I, T27I.
Identifiers: ClinVar variation 2789483 (VCV002789483.3), dbSNP rs2116783913, ClinGen allele CA368973083.